The following is an entry in ClinVar:

NM_003119.4(SPG7):c.1993T>C (p.Phe665Leu)

Gene: SPG7 (SPG7 matrix AAA peptidase subunit, paraplegin; plus strand). Cytogenetic location: 16q24.3.
Variant type: single nucleotide variant.
Coding change: c.1993T>C on transcript NM_003119.4 (MANE Select); coding-DNA position 1993, T replaced by C.
Protein change: p.Phe665Leu; replaces phenylalanine 665 with leucine.
Molecular consequence: missense variant.
Genome position (GRCh38, 1-based): chr16:89,553,850, T>C. VCF-style: chr16-89553850-T-C. GRCh37 (hg19) VCF-style: chr16-89620258-T-C.
Other names: c.1993T>C, p.Phe665Leu (NM_001363850.1); short protein forms F665L.
Identifiers: ClinVar variation 4748635 (VCV004748635.1).

ClinVar aggregate classification (germline): Uncertain significance (1 of 4 stars; one submission).

Conditions:
Hereditary spastic paraplegia 7 (SPG7). Also called: SPASTIC PARAPLEGIA 7, AUTOSOMAL RECESSIVE, WITH OR WITHOUT CEREBELLAR ATAXIA; SPG7-related neurologic disorder; Spastic paraplegia 7; Hereditary spastic paraplegia Paraplegin type; Autosomal recessive spastic paraplegia type 7. Identifiers: Orphanet 99013, MedGen C1846564, MONDO:0011803, OMIM 607259.

gnomAD v4.1: 1 of 1,613,512 alleles (0.000062%); highest among the groups gnomAD compares: Non-Finnish European, 0.000085%; no homozygotes.

Submission:

Labcorp Genetics (formerly Invitae), Labcorp
Classification: Uncertain significance for Hereditary spastic paraplegia 7. Last evaluated: 2025-10-08. Review status: criteria provided, single submitter. Criteria: Invitae Variant Classification Sherloc (09022015). Collection method: clinical testing. Allele origin: germline.
Comment: This sequence change replaces phenylalanine, which is neutral and non-polar, with leucine, which is neutral and non-polar, at codon 665 of the SPG7 protein (p.Phe665Leu). This variant is not present in population databases (gnomAD no frequency). This variant has not been reported in the literature in individuals affected with SPG7-related conditions. Invitae Evidence Modeling of protein sequence and biophysical properties (such as structural, functional, and spatial information, amino acid conservation, physicochemical variation, residue mobility, and thermodynamic stability) indicates that this missense variant is not expected to disrupt SPG7 protein function with a negative predictive value of 80%. In summary, the available evidence is currently insufficient to determine the role of this variant in disease. Therefore, it has been classified as a Variant of Uncertain Significance.